The following is an entry in ClinVar:

NM_006031.6(PCNT):c.8770C>T (p.Arg2924Cys)

Gene: PCNT (pericentrin; plus strand). Cytogenetic location: 21q22.3.
Variant type: single nucleotide variant.
Coding change: c.8770C>T on transcript NM_006031.6 (MANE Select); coding-DNA position 8770, C replaced by T.
Protein change: p.Arg2924Cys; replaces arginine 2924 with cysteine.
Molecular consequence: missense variant.
Genome position (GRCh38, 1-based): chr21:46,435,922, C>T. VCF-style: chr21-46435922-C-T. GRCh37 (hg19) VCF-style: chr21-47855835-C-T.
Other names: c.8179C>T, p.Arg2727Cys (NM_001315529.2); short protein forms R2924C, R2727C.
Identifiers: ClinVar variation 1444425 (VCV001444425.7), dbSNP rs559208618, ClinGen allele CA10081084.

ClinVar aggregate classification (germline): Uncertain significance (1 of 4 stars; one submission).

Allele frequency attached by ClinVar (database versions not stated): gnomAD 0.00001 and 0.00002; gnomAD exomes 0.00001 and 0.00003; TOPMed 0.00001; ExAC 0.00006; 1000 Genomes Project 30x 0.00016; 1000 Genomes Project 0.00020.
gnomAD v4.1: 17 of 1,614,192 alleles (0.0011%); highest among the groups gnomAD compares: East Asian, 0.0022%; no homozygotes.

Submission:

Labcorp Genetics (formerly Invitae), Labcorp
Classification: Uncertain significance. Last evaluated: 2025-01-20. Review status: criteria provided, single submitter. Criteria: Invitae Variant Classification Sherloc (09022015). Collection method: clinical testing. Allele origin: germline.
Comment: This sequence change replaces arginine, which is basic and polar, with cysteine, which is neutral and slightly polar, at codon 2924 of the PCNT protein (p.Arg2924Cys). This variant is present in population databases (rs559208618, gnomAD 0.01%). This variant has not been reported in the literature in individuals affected with PCNT-related conditions. ClinVar contains an entry for this variant (Variation ID: 1444425). An algorithm developed to predict the effect of missense changes on protein structure and function outputs the following: PolyPhen-2: "Possibly Damaging". The cysteine amino acid residue is found in multiple mammalian species, which suggests that this missense change does not adversely affect protein function. In summary, the available evidence is currently insufficient to determine the role of this variant in disease. Therefore, it has been classified as a Variant of Uncertain Significance.